The following is an entry in ClinVar:

ClinVar aggregate classification (germline): Uncertain significance (1 of 4 stars; one submission).

Submission:

GeneDx
Classification: Uncertain significance. Last evaluated: 2024-10-08. Review status: criteria provided, single submitter. Criteria: GeneDx Variant Classification Process June 2021. Collection method: clinical testing. Allele origin: germline. Affected: yes.
Comment: Not observed at significant frequency in large population cohorts (gnomAD); In silico analysis indicates that this missense variant does not alter protein structure/function; Has not been previously published as pathogenic or benign to our knowledge

NM_018489.3(ASH1L):c.8651C>A (p.Ala2884Asp)

Gene: ASH1L (ASH1 like histone lysine methyltransferase; minus strand). Cytogenetic location: 1q22.
Variant type: single nucleotide variant.
Coding change: c.8651C>A on transcript NM_018489.3 (MANE Select); coding-DNA position 8651, C replaced by A.
Protein change: p.Ala2884Asp; replaces alanine 2884 with aspartic acid.
Molecular consequence: missense variant.
Genome position (GRCh38, 1-based): chr1:155,338,241, G>T on the plus strand (C>A on the coding strand, the complement: ASH1L is on the minus strand). VCF-style: chr1-155338241-G-T. GRCh37 (hg19) VCF-style: chr1-155308032-G-T.
Other names: c.8666C>A, p.Ala2889Asp (NM_001366177.2); short protein forms A2884D, A2889D.
Identifiers: ClinVar variation 3777436 (VCV003777436.1).